The following is an entry in ClinVar:

ClinVar aggregate classification (germline): Likely pathogenic. Review status: reviewed by expert panel (3 of 4 stars). 7 submissions from 7 submitters: Likely pathogenic (1). 6 of the submissions do not count toward it. Last evaluated 2025-08-02.

Conditions:
Glycogen storage disease, type II (IOPD). Also called: Glycogen storage disease type 2; Acid maltase deficiency disease; Aglucosidase alfa; Deficiency of alpha-glucosidase; Deficiency of lysosomal alpha-glucosidase; CARDIOMEGALIA GLYCOGENICA DIFFUSA. Identifiers: Orphanet 365, MedGen C0017921, MONDO:0009290, OMIM 232300.

Allele frequency attached by ClinVar (database versions not stated): TOPMed 0.00001.
gnomAD v4.1: 1 of 1,613,004 alleles (0.000062%); highest among the groups gnomAD compares: Non-Finnish European, 0.000085%; no homozygotes.

Submissions (7):

ClinGen Lysosomal Storage Disorder Variant Curation Expert Panel
Classification: Likely pathogenic for Glycogen storage disease, type II. Last evaluated: 2025-08-02. Review status: reviewed by expert panel. Criteria: clingen_lsd_acmg_specifications_v2-1. Collection method: curation. Allele origin: germline. Inheritance: Autosomal recessive inheritance.
Comment: The NM_000152.5(GAA):c.1103G>A variant in GAA is a missense variant predicted to cause substitution of glycine by aspartic acid at amino acid 368 (p.Gly368Asp). This variant has been detected in at least 4 individuals with Pompe disease and deficient GAA activity (PP4_Moderate). Of those individuals, 4 were compound heterozygous for the variant and c.-32-13T>G (ClinVar Variation ID: 4027), a variant that has been classified by the LD VCEP as pathogenic for Pompe disease, c.-32-13T>G; one of those were confirmed in trans by parental/family testing (PMID: 36246652, 33202836, internal lab data) (max 2 patients counted, 1 point for confirmed in trans and 0.5 points for unconfirmed phase, 1.5 points) (PM3)(PMID: 36246652, 33202836, internal lab data). This variant is absent in gnomAD v4.1.0 (PM2_Supporting). Expression of the variant in HEK293 cells resulted in 2.8% wild type GAA activity and evidence of abnormal GAA synthesis and processing, indicating that this variant may impact protein function (PMID: 36246652) (PS3_Supporting). The computational predictor REVEL gives a score of 0.647 which is neither above nor below the thresholds predicting a damaging (>0.7) or benign (<0.5) impact on GAA function. There is a ClinVar entry for this variant (Variation ID: 1037598, 1 star review status) with 3 other submitters including 1 classifying the variant as a VUS, 1 as Likely Pathogenic and 1 as Pathogenic. In summary, this variant meets the criteria to be classified as likely pathogenic for Pompe disease based on the GAA-specific ACMG/AMP criteria applied, as specified by the ClinGen Lysosomal Diseases Variant Curation Expert Panel (Specifications Version 2.0.0): PM3, PP4_Moderate, PM2_Supporting, PS3_Supporting. (Classification approved by the ClinGen Lysosomal Diseases Variant Curation Expert Panel on August 2, 2025).

GeneDx
Classification: Pathogenic. Last evaluated: 2026-10-01. Review status: criteria provided, single submitter. Criteria: GeneDx Variant Classification Process June 2021. Collection method: clinical testing. Allele origin: germline. Not counted in ClinVar's aggregate classification.
Comment: Published functional studies demonstrate a damaging effect (significantly reduced enzyme activity) (Goomber et al., 2022); Not observed at significant frequency in large population cohorts (gnomAD); In silico analysis supports that this missense variant has a deleterious effect on protein structure/function; This variant is associated with the following publications: (PMID: 36246652, 33202836, 40093110, 42353063, 37670900, 40136631, 40699671, 38740568, 40088892, 19343043, 22253258, 37087815)

Genomenon, Inc
Classification: Uncertain significance for Glycogen storage disease, type II. Last evaluated: 2026-07-01. Review status: criteria provided, single submitter. Criteria: Genomenon Sequence Variant Interpretation Standards - Updated. Collection method: curation. Allele origin: germline. Affected: yes. Not counted in ClinVar's aggregate classification.
Comment: GAA p.Gly368Asp (c.1103G>A) is a missense variant that changes the amino acid at codon 368 from Glycine to Aspartic acid. This variant has been observed in at least one proband with a GAA-related disorder in the compound heterozygous and/or homozygous state (PMID:37087815;36246652). At least one functional study has demonstrated a substantial alteration in protein function relative to the wild-type (PMID:36246652). It is absent or not present at a significant frequency in gnomAD. In conclusion, we classify GAA p.Gly368Asp (c.1103G>A) as a variant of uncertain significance.

Myriad Genetics, Inc.
Classification: Likely pathogenic for Glycogen storage disease, type II. Last evaluated: 2026-05-20. Review status: criteria provided, single submitter. Criteria: Myriad Autosomal Dominant, Autosomal Recessive and X-Linked Classification Criteria (2023). Collection method: clinical testing. Allele origin: unknown. Not counted in ClinVar's aggregate classification.
Comment: NM_000152.3(GAA):c.1103G>A(G368D) is a missense variant classified as likely pathogenic in the context of Pompe disease. G368D has been observed in cases with relevant disease (PMID: 33202836, 36246652, 37670900, 35123877, 37087815). Relevant functional assessments of this variant are available in the literature (PMID: 36246652). G368D has not been observed in referenced population frequency databases. In summary, NM_000152.3(GAA):c.1103G>A(G368D) is a missense variant that has functional support for pathogenicity and has been observed more frequently in cases with the relevant disease than in healthy populations. Please note: this variant was assessed in the context of healthy population screening.

Women's Health and Genetics/Laboratory Corporation of America, LabCorp
Classification: Likely pathogenic for Glycogen storage disease, type II. Last evaluated: 2025-12-04. Review status: criteria provided, single submitter. Criteria: LabCorp Variant Classification Summary - May 2015. Collection method: clinical testing. Allele origin: germline. Not counted in ClinVar's aggregate classification.
Comment: Variant summary: GAA c.1103G>A (p.Gly368Asp) results in a non-conservative amino acid change in the encoded protein sequence. Algorithms developed to predict the effect of missense changes on protein structure and function are either unavailable or do not agree on the potential impact of this missense change. The variant allele was found at a frequency of 6.2e-07 in 1613004 control chromosomes. c.1103G>A has been observed in the presumed compound heterozygous state in at least 3 individual(s) affected with clinical features of Glycogen Storage Disease, Type 2 (Pompe Disease)(example, Goomber_2022, King_2023, Labcorp Genetics (formerly Invitae)), in addition to further individuals testing positive by newborn screening (example, Ficicioglu_2020, Jackson_2023). These data indicate that the variant may be associated with disease. At least one publication reports experimental evidence evaluating an impact on protein function. The most pronounced variant effect results in <10% of normal activity in vitro (example, Goomber_2022). The following publications have been ascertained in the context of this evaluation (PMID: 33202836, 36246652, 37670900, 37087815, 35123877). ClinVar contains an entry for this variant (Variation ID: 1037598). Based on the evidence outlined above, the variant was classified as likely pathogenic.

Revvity Omics, Revvity
Classification: Likely pathogenic. Last evaluated: 2024-03-08. Review status: criteria provided, single submitter. Criteria: ACMG Guidelines, 2015. Collection method: clinical testing. Allele origin: germline. Not counted in ClinVar's aggregate classification.

Labcorp Genetics (formerly Invitae), Labcorp
Classification: Likely pathogenic for Glycogen storage disease, type II. Last evaluated: 2022-04-26. Review status: criteria provided, single submitter. Criteria: Invitae Variant Classification Sherloc (09022015). Collection method: clinical testing. Allele origin: germline. Not counted in ClinVar's aggregate classification.
Comment: Advanced modeling of protein sequence and biophysical properties (such as structural, functional, and spatial information, amino acid conservation, physicochemical variation, residue mobility, and thermodynamic stability) performed at Invitae indicates that this missense variant is expected to disrupt GAA protein function. In summary, the currently available evidence indicates that the variant is pathogenic, but additional data are needed to prove that conclusively. Therefore, this variant has been classified as Likely Pathogenic. ClinVar contains an entry for this variant (Variation ID: 1037598). This missense change has been observed in individual(s) with Pompe disease (PMID: 33202836; Invitae). In at least one individual the data is consistent with being in trans (on the opposite chromosome) from a pathogenic variant. This variant is not present in population databases (gnomAD no frequency). This sequence change replaces glycine, which is neutral and non-polar, with aspartic acid, which is acidic and polar, at codon 368 of the GAA protein (p.Gly368Asp).

Literature cited by the submitters: PubMed 37087815 (cited by 3 submitters); PubMed 36246652 (cited by 3 submitters); PubMed 33202836 (cited by 3 submitters); PubMed 35123877 (cited by Myriad Genetics, Inc. and Women's Health and Genetics/Laboratory Corporation of America, LabCorp); PubMed 37670900 (cited by Myriad Genetics, Inc. and Women's Health and Genetics/Laboratory Corporation of America, LabCorp).

NM_000152.5(GAA):c.1103G>A (p.Gly368Asp)

Gene: GAA (alpha glucosidase; plus strand). Cytogenetic location: 17q25.3.
Variant type: single nucleotide variant.
Coding change: c.1103G>A on transcript NM_000152.5 (MANE Select); coding-DNA position 1103, G replaced by A.
Protein change: p.Gly368Asp; replaces glycine 368 with aspartic acid.
Molecular consequence: missense variant.
Genome position (GRCh38, 1-based): chr17:80,108,516, G>A. VCF-style: chr17-80108516-G-A. GRCh37 (hg19) VCF-style: chr17-78082315-G-A.
Other names: NM_000152.5(GAA):c.1103G>A; p.Gly368Asp; c.1103G>A (NM_000152.3); c.1103G>A, p.Gly368Asp (NM_001079803.3, NM_001079804.3); short protein forms G368D.
Identifiers: ClinVar variation 1037598 (VCV001037598.15), dbSNP rs368244038, ClinGen allele CA294892175.
Genomic context (GRCh38, chr17:80,108,516, plus strand): 5'-TCCCTCCCTCATGAAGTCGGCGTTGGCCTGCAGGATACCCGTTCATGCCGCCATACTGGG[G>A]CCTGGGCTTCCACCTGTGCCGCTGGGGCTACTCCTCCACCGCTATCACCCGCCAGGTGGT-3'
Protein context (NP_000143.2, residues 358-378): VGYPFMPPYW[Gly368Asp]LGFHLCRWGY